The following is an entry in ClinVar:

NM_000138.5(FBN1):c.7820A>G (p.Asp2607Gly)

Gene: FBN1 (fibrillin 1; minus strand). Cytogenetic location: 15q21.1.
Variant type: single nucleotide variant.
Coding change: c.7820A>G on transcript NM_000138.5 (MANE Select); coding-DNA position 7820, A replaced by G.
Protein change: p.Asp2607Gly; replaces aspartic acid 2607 with glycine.
Molecular consequence: missense variant.
Genome position (GRCh38, 1-based): chr15:48,415,767, T>C on the plus strand (A>G on the coding strand, the complement: FBN1 is on the minus strand). VCF-style: chr15-48415767-T-C. GRCh37 (hg19) VCF-style: chr15-48707964-T-C.
Other names: c.7820A>G, p.Asp2607Gly (NM_001406716.1); short protein forms D2607G.
Identifiers: ClinVar variation 1705455 (VCV001705455.4), dbSNP rs2505384578, ClinGen allele CA392323471.

ClinVar aggregate classification (germline): Conflicting classifications of pathogenicity. Review status: criteria provided, conflicting classifications (1 of 4 stars). 3 submissions from 3 submitters: Likely pathogenic (1); Uncertain significance (2). Last evaluated 2025-04-11.

Conditions:
Marfan syndrome (MFS). Also called: Marfan's syndrome; Marfan syndrome, classic; MARFAN SYNDROME, TYPE I; Marfan syndrome type 1; FBN1-Related Marfan Syndrome. Identifiers: Orphanet 284963, Orphanet 558, MedGen C0024796, MONDO:0007947, OMIM 154700.
FBN1-related disorder. Also called: FBN1-related disorders.

Submissions (3):

Women's Health and Genetics/Laboratory Corporation of America, LabCorp
Classification: Uncertain significance. Last evaluated: 2025-04-11. Review status: criteria provided, single submitter. Criteria: LabCorp Variant Classification Summary - May 2015. Collection method: clinical testing. Allele origin: germline.
Comment: Variant summary: FBN1 c.7820A>G (p.Asp2607Gly) results in a non-conservative amino acid change located in the EGF-like domain (IPR000742) of the encoded protein sequence. Five of five in-silico tools predict a damaging effect of the variant on protein function. Several computational tools predict a significant impact on normal splicing: Four predict the variant creates a 5' donor site. One predict the variant strengthens a 3' acceptor site. However, these predictions have yet to be confirmed by functional studies. The variant was absent in 250250 control chromosomes. The available data on variant occurrences in the general population are insufficient to allow any conclusion about variant significance. c.7820A>G has been observed in individual(s) affected with Aortopathy (Liu_1997). These report(s) do not provide unequivocal conclusions about association of the variant with Aortopathy. To our knowledge, no experimental evidence demonstrating an impact on protein function has been reported. The following publication have been ascertained in the context of this evaluation (PMID: 10464652). ClinVar contains an entry for this variant (Variation ID: 1705455). Based on the evidence outlined above, the variant was classified as uncertain significance.

3billion
Classification: Uncertain significance for Marfan syndrome. Last evaluated: 2022-09-01. Review status: criteria provided, single submitter. Criteria: ACMG Guidelines, 2015. Collection method: clinical testing. Allele origin: germline. Affected: yes. Observed: 1 heterozygote.
Comment: The variant is not observed in the gnomAD v2.1.1 dataset. In silico tool predictions suggest damaging effect of the variant on gene or gene product (REVEL: 0.96; 3Cnet: 0.99). Same nucleotide change resulting in same amino acid change (PMID: 10464652 ) and a different missense change at the same codon (p.Asp2607Asn / ClinVar ID: VCV000636638 / PMID: 20886638 ) have been previously reported to be associated with FBN1 -related disorder. However, the evidence of pathogenicity is insufficient at this time. Therefore, this variant is classified as uncertain significance according to the recommendation of ACMG/AMP guideline.

Blueprint Genetics
Classification: Likely pathogenic for FBN1-related disorders. Last evaluated: 2018-11-02. Review status: criteria provided, single submitter. Criteria: ACMG Guidelines, 2015. Collection method: clinical testing. Allele origin: germline. Affected: yes. Observed: 1 variant allele.

Literature cited by the submitters: PubMed 10464652 (cited by Women's Health and Genetics/Laboratory Corporation of America, LabCorp and 3billion); PubMed 20886638 (cited by 3billion).